The following is an entry in ClinVar:

ClinVar aggregate classification (germline): Likely benign. Review status: criteria provided, multiple submitters, no conflicts (2 of 4 stars). 5 submissions from 5 submitters: Likely benign (5). Last evaluated 2025-10-28.

Conditions:
Cardiovascular phenotype. Identifiers: MedGen CN230736.
Alstrom syndrome (ALMS). Identifiers: Orphanet 64, MedGen C0268425, MONDO:0008763, OMIM 203800.

Allele frequency attached by ClinVar (database versions not stated): ExAC 0.00003; gnomAD exomes 0.00004; gnomAD 0.00006 and 0.00007; ESP Exome Variant Server 0.00008; TOPMed 0.00015.
gnomAD v4.1: 92 of 1,613,922 alleles (0.0057%); highest among the groups gnomAD compares: Admixed American, 0.017%; no homozygotes.

Submissions (5):

Labcorp Genetics (formerly Invitae), Labcorp
Classification: Likely benign for Alstrom syndrome. Last evaluated: 2025-10-28. Review status: criteria provided, single submitter. Criteria: Invitae Variant Classification Sherloc (09022015). Collection method: clinical testing. Allele origin: germline.

CeGaT Center for Human Genetics Tuebingen
Classification: Likely benign. Last evaluated: 2023-08-01. Review status: criteria provided, single submitter. Criteria: CeGaT Center For Human Genetics Tuebingen Variant Classification Criteria Version 2. Collection method: clinical testing. Allele origin: germline. Affected: yes. Observed: 1 variant allele.
Comment: ALMS1: BP4, BP7

Fulgent Genetics
Classification: Likely benign for Alstrom syndrome. Last evaluated: 2022-03-10. Review status: criteria provided, single submitter. Criteria: ACMG Guidelines, 2015. Collection method: clinical testing. Allele origin: unknown.

GeneDx
Classification: Likely benign. Last evaluated: 2021-03-23. Review status: criteria provided, single submitter. Criteria: GeneDx Variant Classification Process June 2021. Collection method: clinical testing. Allele origin: germline. Affected: yes.

Ambry Genetics
Classification: Likely benign for Cardiovascular phenotype. Last evaluated: 2020-02-04. Review status: criteria provided, single submitter. Criteria: Ambry Variant Classification Scheme 2023. Collection method: clinical testing. Allele origin: germline.

NM_001378454.1(ALMS1):c.8730T>C (p.His2910=)

Gene: ALMS1 (ALMS1 centrosome and basal body associated protein; plus strand). Cytogenetic location: 2p13.1.
Variant type: single nucleotide variant.
Coding change: c.8730T>C on transcript NM_001378454.1 (MANE Select); coding-DNA position 8730, T replaced by C.
Protein change: p.His2910=; no amino-acid change (histidine 2910 retained).
Molecular consequence: synonymous variant.
Genome position (GRCh38, 1-based): chr2:73,490,689, T>C. VCF-style: chr2-73490689-T-C. GRCh37 (hg19) VCF-style: chr2-73717816-T-C.
Other names: c.8733T>C, p.His2911= (NM_015120.4).
Identifiers: ClinVar variation 700960 (VCV000700960.39), dbSNP rs374693631, ClinGen allele CA1714529.